The following is an entry in ClinVar:

ClinVar aggregate classification (germline): Uncertain significance (1 of 4 stars; one submission).

gnomAD v4.1: 4 of 1,607,220 alleles (0.00025%); highest among the groups gnomAD compares: East Asian, 0.0022%; no homozygotes.

Submission:

Labcorp Genetics (formerly Invitae), Labcorp
Classification: Uncertain significance. Last evaluated: 2024-05-13. Review status: criteria provided, single submitter. Criteria: Invitae Variant Classification Sherloc (09022015). Collection method: clinical testing. Allele origin: germline.
Comment: This sequence change replaces arginine, which is basic and polar, with cysteine, which is neutral and slightly polar, at codon 303 of the EPRS protein (p.Arg303Cys). This variant is not present in population databases (gnomAD no frequency). This variant has not been reported in the literature in individuals affected with EPRS-related conditions. ClinVar contains an entry for this variant (Variation ID: 2131443). An algorithm developed to predict the effect of missense changes on protein structure and function (PolyPhen-2) suggests that this variant is likely to be disruptive. In summary, the available evidence is currently insufficient to determine the role of this variant in disease. Therefore, it has been classified as a Variant of Uncertain Significance.

NM_004446.3(EPRS1):c.907C>T (p.Arg303Cys)

Gene: EPRS1 (glutamyl-prolyl-tRNA synthetase 1; minus strand). Cytogenetic location: 1q41.
Variant type: single nucleotide variant.
Coding change: c.907C>T on transcript NM_004446.3 (MANE Select); coding-DNA position 907, C replaced by T.
Protein change: p.Arg303Cys; replaces arginine 303 with cysteine.
Molecular consequence: missense variant.
Genome position (GRCh38, 1-based): chr1:220,024,300, G>A on the plus strand (C>T on the coding strand, the complement: EPRS1 is on the minus strand). VCF-style: chr1-220024300-G-A. GRCh37 (hg19) VCF-style: chr1-220197642-G-A.
Other names: short protein forms R303C.
Identifiers: ClinVar variation 2131443 (VCV002131443.4), dbSNP rs1661931637, ClinGen allele CA344630825.